The following is an entry in ClinVar:

NM_000202.8(IDS):c.1048A>T (p.Asn350Tyr)

Genes: IDS (iduronate 2-sulfatase; minus strand), LOC106050102 (IDS recombination region; plus strand). Cytogenetic location: Xq28.
Variant type: single nucleotide variant.
Coding change: c.1048A>T on transcript NM_000202.8 (MANE Select); coding-DNA position 1048, A replaced by T.
Protein change: p.Asn350Tyr; replaces asparagine 350 with tyrosine.
Molecular consequence: missense variant.
Genome position (GRCh38, 1-based): chrX:149,487,057, T>A on the plus strand (A>T on the coding strand, the complement: IDS is on the minus strand). VCF-style: chrX-149487057-T-A. GRCh37 (hg19) VCF-style: chrX-148568588-T-A.
Other names: c.778A>T, p.Asn260Tyr (NM_001166550.4); short protein forms N260Y, N350Y.
Identifiers: ClinVar variation 3255952 (VCV003255952.2).

ClinVar aggregate classification (germline): Likely pathogenic (1 of 4 stars; one submission).

Conditions:
Mucopolysaccharidosis, MPS-II (MPS2). Also called: Hunter Syndrome; IDURONATE 2-SULFATASE DEFICIENCY; Mucopolysaccharidosis Type II; Mucopolysaccharidosis type 2; Attenuated MPS (subtype; formerly known as mild MPS II); Severe MPS II. Identifiers: Orphanet 580, Orphanet 79388, MedGen C0026705, MONDO:0010674, OMIM 309900.

Submission:

Laboratory of Diagnosis and Therapy of Lysosomal Disorders, University of Padova
Classification: Likely pathogenic for Mucopolysaccharidosis, MPS-II. Last evaluated: 2024-06-07. Review status: criteria provided, single submitter. Criteria: ACMG Guidelines, 2015. Collection method: literature only. Allele origin: germline. Affected: yes. Observed: 1 variant allele.
Comment: Absent from controls (or at low frequency) in gnomAD database (PM2_Moderate), Missense variant in a gene with a low rate of benign missense variation (PP2_Supporting), Multiple lines of computational evidence support a deleterious effect (PP3_Supporting), Patient’s phenotype or family history highly specific for the disease (PP4_Strong)

Classification method: ACMG Guidelines [PMID:25741868] with modifications

Literature cited by the submitters: PubMed 22976768.